The following is an entry in ClinVar:

ClinVar aggregate classification (germline): Uncertain significance (1 of 4 stars; one submission).

Allele frequency attached by ClinVar (database versions not stated): TOPMed below 0.00001.

Submission:

Labcorp Genetics (formerly Invitae), Labcorp
Classification: Uncertain significance. Last evaluated: 2024-09-04. Review status: criteria provided, single submitter. Criteria: Invitae Variant Classification Sherloc (09022015). Collection method: clinical testing. Allele origin: germline.
Comment: This sequence change replaces lysine, which is basic and polar, with glutamine, which is neutral and polar, at codon 121 of the NOG protein (p.Lys121Gln). This variant is not present in population databases (gnomAD no frequency). This variant has not been reported in the literature in individuals affected with NOG-related conditions. An algorithm developed to predict the effect of missense changes on protein structure and function (PolyPhen-2) suggests that this variant is likely to be disruptive. In summary, the available evidence is currently insufficient to determine the role of this variant in disease. Therefore, it has been classified as a Variant of Uncertain Significance.

NM_005450.6(NOG):c.361A>C (p.Lys121Gln)

Gene: NOG (noggin; plus strand). Cytogenetic location: 17q22.
Variant type: single nucleotide variant.
Coding change: c.361A>C on transcript NM_005450.6 (MANE Select); coding-DNA position 361, A replaced by C.
Protein change: p.Lys121Gln; replaces lysine 121 with glutamine.
Molecular consequence: missense variant.
Genome position (GRCh38, 1-based): chr17:56,594,584, A>C. VCF-style: chr17-56594584-A-C. GRCh37 (hg19) VCF-style: chr17-54671945-A-C.
Other names: short protein forms K121Q.
Identifiers: ClinVar variation 3009939 (VCV003009939.3), dbSNP rs2052470072, ClinGen allele CA399965893.
Genomic context (GRCh38, chr17:56,594,584, plus strand): 5'-CTGGCGGAGCTGGACCAGCTGCTGCGGCAGCGGCCGTCGGGGGCCATGCCGAGCGAGATC[A>C]AAGGGCTAGAGTTCTCCGAGGGCTTGGCCCAGGGCAAGAAGCAGCGCCTAAGCAAGAAGC-3'
Protein context (NP_005441.1, residues 111-131): RPSGAMPSEI[Lys121Gln]GLEFSEGLAQ